The following is an entry in ClinVar:

ClinVar aggregate classification (germline): Uncertain significance. Review status: criteria provided, single submitter (1 of 4 stars). 2 submissions from 2 submitters: Uncertain significance (1). 1 of the submissions does not count toward it. Last evaluated 2022-12-20.

Conditions:
Mucopolysaccharidosis, MPS-III-C (MPS3C). Also called: MPS IIIC (Sanfilippo Syndrome Type C); MUCOPOLYSACCHARIDOSIS, TYPE IIIC; Mucopolysaccharidosis type IIIC (Sanfilippo C); mucopolysaccharidosis type 3C; SANFILIPPO SYNDROME C; MPS III C. Identifiers: Orphanet 581, Orphanet 79271, MedGen C0086649, MONDO:0009657, OMIM 252930.
Retinitis pigmentosa 73 (RP73). Identifiers: Orphanet 791, MedGen C4225287, MONDO:0014687, OMIM 616544.

Submissions (2):

Labcorp Genetics (formerly Invitae), Labcorp
Classification: Uncertain significance for Retinitis pigmentosa 73; Mucopolysaccharidosis, MPS-III-C. Last evaluated: 2022-12-20. Review status: criteria provided, single submitter. Criteria: Invitae Variant Classification Sherloc (09022015). Collection method: clinical testing. Allele origin: germline.
Comment: In summary, the available evidence is currently insufficient to determine the role of this variant in disease. Therefore, it has been classified as a Variant of Uncertain Significance. Advanced modeling of protein sequence and biophysical properties (such as structural, functional, and spatial information, amino acid conservation, physicochemical variation, residue mobility, and thermodynamic stability) performed at Invitae indicates that this missense variant is not expected to disrupt HGSNAT protein function. ClinVar contains an entry for this variant (Variation ID: 1049840). This variant has not been reported in the literature in individuals affected with HGSNAT-related conditions. This variant is not present in population databases (gnomAD no frequency). This sequence change replaces histidine, which is basic and polar, with leucine, which is neutral and non-polar, at codon 46 of the HGSNAT protein (p.His46Leu).

Department of Pathology and Laboratory Medicine, Sinai Health System
Classification: Uncertain significance. Review status: no assertion criteria provided. Collection method: clinical testing. Allele origin: unknown. Affected: yes. Study: The Canadian Open Genetics Repository (COGR). Not counted in ClinVar's aggregate classification.
Comment: The HGSNAT p.His46Leu variant was not identified in the literature nor was it identified in dbSNP, ClinVar, LOVD 3.0 or in the following control databases: the 1000 Genomes Project, the NHLBI GO Exome Sequencing Project, or the Genome Aggregation Database (March 6, 2019, v2.1.1). The p.His46 residue is not conserved in mammals and four out of five computational analyses (PolyPhen-2, SIFT, AlignGVGD, BLOSUM, MutationTaster) do not suggest a high likelihood of impact to the protein; however, this information is not predictive enough to rule out pathogenicity. The variant occurs outside of the splicing consensus sequence and in silico or computational prediction software programs (SpliceSiteFinder, MaxEntScan, NNSPLICE, GeneSplicer) do not predict a difference in splicing. In summary, based on the above information the clinical significance of this variant cannot be determined with certainty at this time. This variant is classified as a variant of uncertain significance.

NM_152419.3(HGSNAT):c.137A>T (p.His46Leu)

Gene: HGSNAT (heparan-alpha-glucosaminide N-acetyltransferase; plus strand). Cytogenetic location: 8p11.21.
Variant type: single nucleotide variant.
Coding change: c.137A>T on transcript NM_152419.3 (MANE Select); coding-DNA position 137, A replaced by T.
Protein change: p.His46Leu; replaces histidine 46 with leucine.
Molecular consequence: missense variant. On other transcripts: 5 prime UTR variant (1).
Genome position (GRCh38, 1-based): chr8:43,146,966, A>T. VCF-style: chr8-43146966-A-T. GRCh37 (hg19) VCF-style: chr8-43002109-A-T.
Other names: c.137A>T, p.His46Leu (NM_001363227.2, NM_001363228.2); c.-697A>T (NM_001363229.2); short protein forms H46L.
Identifiers: ClinVar variation 1049840 (VCV001049840.4), dbSNP rs2130677199, ClinGen allele CA371124777.